The following is an entry in ClinVar:

ClinVar aggregate classification (germline): Uncertain significance (1 of 4 stars; one submission).

Conditions:
CHARGE syndrome (CHARGE). Also called: Hittner Hirsch Kreh syndrome; CHARGE ASSOCIATION--COLOBOMA, HEART ANOMALY, CHOANAL ATRESIA, RETARDATION, GENITAL AND EAR ANOMALIES; Coloboma, heart anomaly, choanal atresia, retardation, genital and ear anomalies; CHARGE association; Hall-Hittner syndrome. Identifiers: Orphanet 138, MedGen C0265354, MONDO:0008965.

Submission:

Labcorp Genetics (formerly Invitae), Labcorp
Classification: Uncertain significance for CHARGE syndrome. Last evaluated: 2025-03-07. Review status: criteria provided, single submitter. Criteria: Invitae Variant Classification Sherloc (09022015). Collection method: clinical testing. Allele origin: germline.
Comment: This sequence change replaces glycine, which is neutral and non-polar, with cysteine, which is neutral and slightly polar, at codon 1234 of the CHD7 protein (p.Gly1234Cys). This variant is not present in population databases (gnomAD no frequency). This variant has not been reported in the literature in individuals affected with CHD7-related conditions. Invitae Evidence Modeling of protein sequence and biophysical properties (such as structural, functional, and spatial information, amino acid conservation, physicochemical variation, residue mobility, and thermodynamic stability) has been performed for this missense variant. However, the output from this modeling did not meet the statistical confidence thresholds required to predict the impact of this variant on CHD7 protein function. In summary, the available evidence is currently insufficient to determine the role of this variant in disease. Therefore, it has been classified as a Variant of Uncertain Significance.

NM_017780.4(CHD7):c.3700G>T (p.Gly1234Cys)

Gene: CHD7 (chromodomain helicase DNA binding protein 7; plus strand). Cytogenetic location: 8q12.2.
Variant type: single nucleotide variant.
Coding change: c.3700G>T on transcript NM_017780.4 (MANE Select); coding-DNA position 3700, G replaced by T.
Protein change: p.Gly1234Cys; replaces glycine 1234 with cysteine.
Molecular consequence: missense variant. On other transcripts: intron variant (1).
Genome position (GRCh38, 1-based): chr8:60,830,499, G>T. VCF-style: chr8-60830499-G-T. GRCh37 (hg19) VCF-style: chr8-61743058-G-T.
Other names: c.1717-31730G>T (NM_001316690.1); short protein forms G1234C.
Identifiers: ClinVar variation 4746293 (VCV004746293.1).